The following is an entry in ClinVar:

NC_000013.11:g.32333367_32333368delinsGGG

Gene: BRCA2 (BRCA2 DNA repair associated; plus strand). Cytogenetic location: 13q13.1.
Variant type: Indel.
Genome position: GRCh38 VCF-style: chr13-32333367-CA-GGG. GRCh37 (hg19) VCF-style: chr13-32907504-CA-GGG.
Other names: c.1889_1890delinsGGG, p.Thr630fs (LRG_293t1).
Identifiers: ClinVar variation 462244 (VCV000462244.5), dbSNP rs1555282150, ClinGen allele CA658656346.

ClinVar aggregate classification (germline): Pathogenic (1 of 4 stars; one submission).

Conditions:
Hereditary breast ovarian cancer syndrome. Also called: Hereditary breast and ovarian cancer syndrome (HBOC); Hereditary breast and ovarian cancer syndrome; Breast and ovarian cancer; Hereditary breast and/or ovarian cancer syndrome; Hereditary breast and ovarian cancer; BRCA1- and BRCA2-Associated Hereditary Breast and Ovarian Cancer. Identifiers: Orphanet 145, MedGen C0677776, MeSH D061325, MONDO:0003582. Disease mechanism: loss of function.

Submission:

Labcorp Genetics (formerly Invitae), Labcorp
Classification: Pathogenic for Hereditary breast ovarian cancer syndrome. Last evaluated: 2022-08-02. Review status: criteria provided, single submitter. Criteria: Invitae Variant Classification Sherloc (09022015). Collection method: clinical testing. Allele origin: germline.
Comment: For these reasons, this variant has been classified as Pathogenic. This variant has not been reported in the literature in individuals affected with BRCA2-related conditions. This variant is not present in population databases (gnomAD no frequency). This sequence change creates a premature translational stop signal (p.Thr630Argfs*6) in the BRCA2 gene. It is expected to result in an absent or disrupted protein product. Loss-of-function variants in BRCA2 are known to be pathogenic (PMID: 20104584).

Literature cited by the submitters: PubMed 20104584.